The following is an entry in ClinVar:

ClinVar aggregate classification (germline): Likely benign. Review status: criteria provided, multiple submitters, no conflicts (2 of 4 stars). 2 submissions from 2 submitters: Likely benign (2). Last evaluated 2025-12-22.

Conditions:
POLD1-related polyposis and colorectal cancer syndrome (CRCS10). Also called: Colorectal cancer 10; COLORECTAL CANCER, SUSCEPTIBILITY TO, ON CHROMOSOME 19q; Colorectal cancer, susceptibility to, 10. Identifiers: Orphanet 220460, MedGen C2675481, MONDO:0012953, OMIM 612591.

Allele frequency attached by ClinVar (database versions not stated): gnomAD below 0.00001 and 0.00001; gnomAD exomes 0.00003; ExAC 0.00004; 1000 Genomes Project 30x 0.00016; 1000 Genomes Project 0.00020.
gnomAD v4.1: 16 of 1,612,524 alleles (0.00099%); highest among the groups gnomAD compares: South Asian, 0.013%; no homozygotes.

Submissions (2):

Labcorp Genetics (formerly Invitae), Labcorp
Classification: Likely benign for POLD1-related polyposis and colorectal cancer syndrome. Last evaluated: 2025-12-22. Review status: criteria provided, single submitter. Criteria: Invitae Variant Classification Sherloc (09022015). Collection method: clinical testing. Allele origin: germline.

GeneDx
Classification: Likely benign. Last evaluated: 2017-04-19. Review status: criteria provided, single submitter. Criteria: GeneDx Variant Classification (06012015). Collection method: clinical testing. Allele origin: germline. Affected: yes.
Comment: This variant is considered likely benign or benign based on one or more of the following criteria: it is a conservative change, it occurs at a poorly conserved position in the protein, it is predicted to be benign by multiple in silico algorithms, and/or has population frequency not consistent with disease.

NM_002691.4(POLD1):c.759-17C>A

Gene: POLD1 (DNA polymerase delta 1, catalytic subunit; plus strand). Cytogenetic location: 19q13.33.
Variant type: single nucleotide variant.
Coding change: c.759-17C>A on transcript NM_002691.4 (MANE Select); 17 bases into the intron before coding-DNA position 759, C replaced by A.
Molecular consequence: intron variant.
Genome position (GRCh38, 1-based): chr19:50,402,437, C>A. VCF-style: chr19-50402437-C-A. GRCh37 (hg19) VCF-style: chr19-50905694-C-A.
Other names: c.759-17C>A (NM_001256849.1, NM_001308632.1, LRG_785t2 and 1 more transcripts).
Identifiers: ClinVar variation 509034 (VCV000509034.9), dbSNP rs542342541, ClinGen allele CA9595896.